The following is an entry in ClinVar:

ClinVar aggregate classification (germline): Uncertain significance (1 of 4 stars; one submission).

gnomAD v4.1: 2 of 1,614,206 alleles (0.00012%); highest among the groups gnomAD compares: East Asian, 0.0022%; no homozygotes.

Submission:

GeneDx
Classification: Uncertain significance. Last evaluated: 2025-06-24. Review status: criteria provided, single submitter. Criteria: GeneDx Variant Classification Process June 2021. Collection method: clinical testing. Allele origin: germline. Affected: yes.
Comment: In silico analysis supports that this missense variant has a deleterious effect on protein structure/function; Has not been previously published as pathogenic or benign to our knowledge

NM_001256071.3(RNF213):c.2641C>T (p.Leu881Phe)

Gene: RNF213 (ring finger protein 213; plus strand). Cytogenetic location: 17q25.3.
Variant type: single nucleotide variant.
Coding change: c.2641C>T on transcript NM_001256071.3 (MANE Select); coding-DNA position 2641, C replaced by T.
Protein change: p.Leu881Phe; replaces leucine 881 with phenylalanine.
Molecular consequence: missense variant.
Genome position (GRCh38, 1-based): chr17:80,309,157, C>T. VCF-style: chr17-80309157-C-T. GRCh37 (hg19) VCF-style: chr17-78282957-C-T.
Other names: c.2788C>T, p.Leu930Phe (NM_020914.5, NM_001410195.1); c.2641C>T, p.Leu881Phe (NM_020954.4); short protein forms L881F, L930F.
Identifiers: ClinVar variation 4540029 (VCV004540029.1).
Genomic context (GRCh38, chr17:80,309,157, plus strand): 5'-CTACTTAAGTTTTACGAGCTGCCAGCCTTATCTGCCGAGATTGTCTGCAGAATGATTAGA[C>T]TTCTATCTCTGGTGGTAAGTGGAGTCAACACACAAGGTATCACACCCGGGATAGGTGCGG-3'
Protein context (NP_001243000.2, residues 871-891): SAEIVCRMIR[Leu881Phe]LSLVDSAGQR